The following is an entry in ClinVar:

NM_005413.4(SIX3):c.109G>T (p.Gly37Cys)

Gene: SIX3 (SIX homeobox 3; plus strand). Cytogenetic location: 2p21.
Variant type: single nucleotide variant.
Coding change: c.109G>T on transcript NM_005413.4 (MANE Select); coding-DNA position 109, G replaced by T.
Protein change: p.Gly37Cys; replaces glycine 37 with cysteine.
Molecular consequence: missense variant.
Genome position (GRCh38, 1-based): chr2:44,942,213, G>T. VCF-style: chr2-44942213-G-T. GRCh37 (hg19) VCF-style: chr2-45169352-G-T.
Other names: short protein forms G37C.
Identifiers: ClinVar variation 30381 (VCV000030381.52), dbSNP rs199823175, ClinGen allele CA129166.

ClinVar aggregate classification (germline): Benign/Likely benign. Review status: criteria provided, multiple submitters, no conflicts (2 of 4 stars). 10 submissions from 9 submitters: Benign (2); Likely benign (4). 4 of the submissions do not count toward it. Last evaluated 2026-01-15.

Conditions:
SIX3-related disorder. Also called: SIX3-Related Disorders; SIX3-related condition.
Inborn genetic diseases. Identifiers: MedGen C0950123, MeSH D030342.
Schizencephaly. Identifiers: Orphanet 799, MedGen C0266484, MONDO:0010011, OMIM 269160, HP:0010636.
Solitary median maxillary central incisor syndrome. Also called: SMMCI SYNDROME; SINGLE CENTRAL MAXILLARY INCISOR; Solitary median maxillary central incisor; FUSED INCISORS; Single Central Incisor Syndrome. Identifiers: MedGen C1840235, MONDO:0007819, OMIM 147250, HP:0006315.
Holoprosencephaly 2 (HPE2). Identifiers: Orphanet 2162, MedGen C1834877, MONDO:0007999, OMIM 157170.

Allele frequency attached by ClinVar (database versions not stated): 1000 Genomes Project 0.00040; 1000 Genomes Project 30x 0.00047; ExAC 0.00094; gnomAD exomes 0.00129; ESP Exome Variant Server 0.00188; gnomAD 0.00210 and 0.00214; TOPMed 0.00213.

Submissions (10):

Labcorp Genetics (formerly Invitae), Labcorp
Classification: Benign for Holoprosencephaly 2. Last evaluated: 2026-01-15. Review status: criteria provided, single submitter. Criteria: Invitae Variant Classification Sherloc (09022015). Collection method: clinical testing. Allele origin: germline.

CeGaT Center for Human Genetics Tuebingen
Classification: Likely benign. Last evaluated: 2025-07-01. Review status: criteria provided, single submitter. Criteria: CeGaT Center For Human Genetics Tuebingen Variant Classification Criteria Version 2. Collection method: clinical testing. Allele origin: germline. Affected: yes. Observed: 4 variant alleles.
Comment: SIX3: BS1

Ambry Genetics
Classification: Likely benign for Inborn genetic diseases. Last evaluated: 2021-08-09. Review status: criteria provided, single submitter. Criteria: Ambry Variant Classification Scheme 2023. Collection method: clinical testing. Allele origin: germline.

GeneDx
Classification: Likely benign. Last evaluated: 2019-02-11. Review status: criteria provided, single submitter. Criteria: GeneDx Variant Classification Process June 2021. Collection method: clinical testing. Allele origin: germline. Affected: yes.
Comment: This variant is associated with the following publications: (PMID: 18791198, 26080100, 20157829, 19346217)

Athena Diagnostics
Classification: Benign. Last evaluated: 2018-07-12. Review status: criteria provided, single submitter. Criteria: Athena Diagnostics Criteria. Collection method: clinical testing. Allele origin: germline.

Eurofins Ntd Llc (ga)
Classification: Likely benign. Last evaluated: 2015-03-31. Review status: criteria provided, single submitter. Criteria: EGL Classification Definitions 2015. Collection method: clinical testing. Allele origin: germline. Observed: 1 variant allele, 1 heterozygote.

PreventionGenetics, part of Exact Sciences
Classification: Likely benign for SIX3-related condition. Last evaluated: 2023-07-06. Review status: no assertion criteria provided. Collection method: clinical testing. Allele origin: germline. Not counted in ClinVar's aggregate classification.
Comment: This variant is classified as likely benign based on ACMG/AMP sequence variant interpretation guidelines (Richards et al. 2015 PMID: 25741868, with internal and published modifications).

OMIM
Classification: Pathogenic for HOLOPROSENCEPHALY 2. Last evaluated: 2010-03-01. Review status: no assertion criteria provided. Collection method: literature only. Allele origin: germline. Not counted in ClinVar's aggregate classification.

OMIM
Classification: Pathogenic for SCHIZENCEPHALY. Last evaluated: 2010-03-01. Review status: no assertion criteria provided. Collection method: literature only. Allele origin: germline. Not counted in ClinVar's aggregate classification.

Center for Human Genetics, University of Leuven
Classification: Pathogenic for Single upper central incisor. Review status: no assertion criteria provided. Collection method: clinical testing. Allele origin: unknown. Affected: yes. Not counted in ClinVar's aggregate classification.

Literature cited by the submitters: PubMed 18791198 (cited by 3 submitters); PubMed 20157829 (cited by 3 submitters); PubMed 19346217 (cited by 3 submitters); PubMed 26080100 (cited by Athena Diagnostics and Center for Human Genetics, University of Leuven).